The following is an entry in ClinVar:

ClinVar aggregate classification (germline): Likely benign. Review status: criteria provided, multiple submitters, no conflicts (2 of 4 stars). 4 submissions from 4 submitters: Likely benign (3). 1 of the submissions does not count toward it. Last evaluated 2025-06-12.

Conditions:
PRKCSH-related disorder. Also called: PRKCSH-related condition.
Polycystic liver disease 1 (PCLD1). Also called: Polycystic liver disease 1 with or without kidney cysts. Identifiers: Orphanet 2924, MedGen C0887850, MONDO:0008265, OMIM 174050.

Allele frequency attached by ClinVar (database versions not stated): gnomAD 0.00001 and 0.00002; TOPMed 0.00002; gnomAD exomes 0.00005 and 0.00008; ExAC 0.00010; 1000 Genomes Project 30x 0.00016; 1000 Genomes Project 0.00020.
gnomAD v4.1: 85 of 1,614,122 alleles (0.0053%); highest among the groups gnomAD compares: South Asian, 0.041%; 2 homozygotes.

Submissions (4):

Labcorp Genetics (formerly Invitae), Labcorp
Classification: Likely benign. Last evaluated: 2025-06-12. Review status: criteria provided, single submitter. Criteria: Invitae Variant Classification Sherloc (09022015). Collection method: clinical testing. Allele origin: germline.

Blueprint Genetics
Classification: Likely benign. Last evaluated: 2024-03-06. Review status: criteria provided, single submitter. Criteria: ACMG Guidelines, 2015. Collection method: clinical testing. Allele origin: germline.

Fulgent Genetics
Classification: Likely benign for Polycystic liver disease 1. Last evaluated: 2021-11-27. Review status: criteria provided, single submitter. Criteria: ACMG Guidelines, 2015. Collection method: clinical testing. Allele origin: unknown.

PreventionGenetics, part of Exact Sciences
Classification: Likely benign for PRKCSH-related condition. Last evaluated: 2019-02-21. Review status: no assertion criteria provided. Collection method: clinical testing. Allele origin: germline. Not counted in ClinVar's aggregate classification.
Comment: This variant is classified as likely benign based on ACMG/AMP sequence variant interpretation guidelines (Richards et al. 2015 PMID: 25741868, with internal and published modifications).

NM_001289104.2(PRKCSH):c.324C>T (p.Ser108=)

Gene: PRKCSH (PRKCSH beta subunit of glucosidase II; plus strand). Cytogenetic location: 19p13.2.
Variant type: single nucleotide variant.
Coding change: c.324C>T on transcript NM_001289104.2 (MANE Select); coding-DNA position 324, C replaced by T.
Protein change: p.Ser108=; no amino-acid change (serine 108 retained).
Molecular consequence: synonymous variant.
Genome position (GRCh38, 1-based): chr19:11,438,098, C>T. VCF-style: chr19-11438098-C-T. GRCh37 (hg19) VCF-style: chr19-11548919-C-T.
Other names: c.324C>T, p.Ser108= (NM_001001329.3, NM_001289102.2, NM_001289103.2 and 3 more transcripts).
Identifiers: ClinVar variation 1597372 (VCV001597372.12), dbSNP rs368596083, ClinGen allele CA9212789.
Genomic context (GRCh38, chr19:11,438,098, plus strand): 5'-TCTGATCTTGGCTTCTGCCTCTGCCACAGACTGCTGCGATGGAACAGACGAGTACAACAG[C>T]GGCGTCATCTGTGAGAACACCTGCAAGTACGTGGGTGACAGTACCCCTCCCATCACCCCA-3'
Protein context (NP_001276033.1, residues 98-118): DCCDGTDEYN[Ser108=]GVICENTCKE